The following is an entry in ClinVar:

ClinVar aggregate classification (germline): Uncertain significance (1 of 4 stars; one submission).

Conditions:
Cardiovascular phenotype. Identifiers: MedGen CN230736.
Hereditary cancer-predisposing syndrome. Also called: Hereditary Cancer Syndrome; Hereditary neoplastic syndrome; Neoplastic Syndromes, Hereditary; Tumor predisposition. Identifiers: Orphanet 140162, MedGen C0027672, MeSH D009386, MONDO:0015356.

Submission:

Ambry Genetics
Classification: Uncertain significance for Cardiovascular phenotype; Hereditary cancer-predisposing syndrome. Last evaluated: 2022-08-20. Review status: criteria provided, single submitter. Criteria: Ambry Variant Classification Scheme 2023. Collection method: clinical testing. Allele origin: germline.
Comment: The p.I1982M variant (also known as c.5946T>G), located in coding exon 40 of the NF1 gene, results from a T to G substitution at nucleotide position 5946. The isoleucine at codon 1982 is replaced by methionine, an amino acid with highly similar properties. This amino acid position is conserved. In addition, the in silico prediction for this alteration is inconclusive. Since supporting evidence is limited at this time, the clinical significance of this alteration remains unclear.

NM_001042492.3(NF1):c.6009T>G (p.Ile2003Met)

Gene: NF1 (neurofibromin 1; plus strand). Cytogenetic location: 17q11.2.
Variant type: single nucleotide variant.
Coding change: c.6009T>G on transcript NM_001042492.3 (MANE Select); coding-DNA position 6009, T replaced by G.
Protein change: p.Ile2003Met; replaces isoleucine 2003 with methionine.
Molecular consequence: missense variant.
Genome position (GRCh38, 1-based): chr17:31,336,335, T>G. VCF-style: chr17-31336335-T-G. GRCh37 (hg19) VCF-style: chr17-29663353-T-G.
Other names: c.5946T>G, p.Ile1982Met (NM_000267.4); short protein forms I1982M, I2003M.
Identifiers: ClinVar variation 1750643 (VCV001750643.2), dbSNP rs2508744410, ClinGen allele CA399011001.